The following is an entry in ClinVar:

ClinVar aggregate classification (germline): Uncertain significance. Review status: criteria provided, multiple submitters, no conflicts (2 of 4 stars). 2 submissions from 2 submitters: Uncertain significance (2). Last evaluated 2023-03-09.

Conditions:
Hereditary cancer-predisposing syndrome. Also called: Neoplastic Syndromes, Hereditary; Tumor predisposition; Hereditary Cancer Syndrome; Hereditary neoplastic syndrome. Identifiers: Orphanet 140162, MedGen C0027672, MeSH D009386, MONDO:0015356.
Familial adenomatous polyposis 1 (FAP1). Also called: FAMILIAL ADENOMATOUS POLYPOSIS 1, ATTENUATED; POLYPOSIS, ADENOMATOUS INTESTINAL. Identifiers: MedGen C2713442, MONDO:0021056, OMIM 175100. Disease mechanism: loss of function.

Submissions (2):

Labcorp Genetics (formerly Invitae), Labcorp
Classification: Uncertain significance for Familial adenomatous polyposis 1. Last evaluated: 2023-03-09. Review status: criteria provided, single submitter. Criteria: Invitae Variant Classification Sherloc (09022015). Collection method: clinical testing. Allele origin: germline.
Comment: In summary, the available evidence is currently insufficient to determine the role of this variant in disease. Therefore, it has been classified as a Variant of Uncertain Significance. Experimental studies and prediction algorithms are not available or were not evaluated, and the functional significance of this variant is currently unknown. This variant has not been reported in the literature in individuals affected with APC-related conditions. Information on the frequency of this variant in the gnomAD database is not available, as this variant may be reported differently in the database. This variant, c.7049_7055delinsT, is a complex sequence change that results in the deletion of 3 and insertion of 1 amino acid(s) in the APC protein (p.Ser2350_Ser2352delinsPhe).

Ambry Genetics
Classification: Uncertain significance for Hereditary cancer-predisposing syndrome. Last evaluated: 2022-10-20. Review status: criteria provided, single submitter. Criteria: Ambry Variant Classification Scheme 2023. Collection method: clinical testing. Allele origin: germline.
Comment: The c.7049_7055delCCCCTAGinsT variant, located in coding exon 15 of the APC gene, results from an in-frame deletion of CCCCTAG and insertion of T at nucleotide positions 7049 to 7055. This results in the substitution of the SPS residues for a phenylalanine residue at codon 2350. This amino acid region is well conserved in available vertebrate species. In addition, this alteration is predicted to be deleterious by in silico analysis (Choi Y et al. PLoS ONE. 2012; 7(10):e46688). Since supporting evidence is limited at this time, the clinical significance of this alteration remains unclear.

NM_000038.6(APC):c.7049_7055delinsT (p.Ser2350_Ser2352delinsPhe)

Gene: APC (APC regulator of Wnt signaling pathway; plus strand). Cytogenetic location: 5q22.2.
Variant type: Indel.
Coding change: c.7049_7055delinsT on transcript NM_000038.6 (MANE Select); coding-DNA positions 7049 to 7055, CCCCTAG replaced by T.
Protein change: p.Ser2350_Ser2352delinsPhe.
Molecular consequence: inframe indel.
Genome position (GRCh38, 1-based): chr5:112,842,643-112,842,649, CCCCTAG replaced by T. VCF-style: chr5-112842643-CCCCTAG-T. GRCh37 (hg19) VCF-style: chr5-112178340-CCCCTAG-T.
Other names: c.7049_7055delinsT, p.Ser2350_Ser2352delinsPhe (NM_001127510.3, NM_001354895.2); c.6995_7001delinsT, p.Ser2332_Ser2334delinsPhe (NM_001127511.3); c.7103_7109delinsT, p.Ser2368_Ser2370delinsPhe (NM_001354896.2); c.7079_7085delinsT, p.Ser2360_Ser2362delinsPhe (NM_001354897.2); c.6974_6980delinsT, p.Ser2325_Ser2327delinsPhe (NM_001354898.2); c.6965_6971delinsT, p.Ser2322_Ser2324delinsPhe (NM_001354899.2); c.6926_6932delinsT, p.Ser2309_Ser2311delinsPhe (NM_001354900.2); c.6872_6878delinsT, p.Ser2291_Ser2293delinsPhe (NM_001354901.2); and 16 more.
Identifiers: ClinVar variation 1756860 (VCV001756860.7), dbSNP rs2533764534, ClinGen allele CA2580072369.